The following is an entry in ClinVar:

NM_000553.6(WRN):c.269A>G (p.Asn90Ser)

Gene: WRN (WRN RecQ like helicase; plus strand). Cytogenetic location: 8p12.
Variant type: single nucleotide variant.
Coding change: c.269A>G on transcript NM_000553.6 (MANE Select); coding-DNA position 269, A replaced by G.
Protein change: p.Asn90Ser; replaces asparagine 90 with serine.
Molecular consequence: missense variant.
Genome position (GRCh38, 1-based): chr8:31,064,348, A>G. VCF-style: chr8-31064348-A-G. GRCh37 (hg19) VCF-style: chr8-30921864-A-G.
Other names: short protein forms N90S.
Identifiers: ClinVar variation 836077 (VCV000836077.5), dbSNP rs1812611292, ClinGen allele CA370914141.

ClinVar aggregate classification (germline): Uncertain significance (1 of 4 stars; one submission).

Conditions:
Werner syndrome (WRN). Identifiers: Orphanet 902, MedGen C0043119, MONDO:0010196, OMIM 277700.

Allele frequency attached by ClinVar (database versions not stated): gnomAD exomes below 0.00001; TOPMed below 0.00001.
gnomAD v4.1: 1 of 1,614,156 alleles (0.000062%); highest among the groups gnomAD compares: Non-Finnish European, 0.000085%; no homozygotes.

Submission:

Labcorp Genetics (formerly Invitae), Labcorp
Classification: Uncertain significance for Werner syndrome. Last evaluated: 2020-10-30. Review status: criteria provided, single submitter. Criteria: Invitae Variant Classification Sherloc (09022015). Collection method: clinical testing. Allele origin: germline.
Comment: This variant is not present in population databases (ExAC no frequency). In summary, the available evidence is currently insufficient to determine the role of this variant in disease. Therefore, it has been classified as a Variant of Uncertain Significance. Algorithms developed to predict the effect of missense changes on protein structure and function output the following: SIFT: "Tolerated"; PolyPhen-2: "Benign"; Align-GVGD: "Class C0". The serine amino acid residue is found in multiple mammalian species, suggesting that this missense change does not adversely affect protein function. These predictions have not been confirmed by published functional studies and their clinical significance is uncertain. This variant has not been reported in the literature in individuals with WRN-related conditions. This sequence change replaces asparagine with serine at codon 90 of the WRN protein (p.Asn90Ser). The asparagine residue is weakly conserved and there is a small physicochemical difference between asparagine and serine.